The following is an entry in ClinVar:

ClinVar aggregate classification (germline): Uncertain significance (1 of 4 stars; one submission).

Submission:

GeneDx
Classification: Uncertain significance. Last evaluated: 2022-10-03. Review status: criteria provided, single submitter. Criteria: GeneDx Variant Classification Process June 2021. Collection method: clinical testing. Allele origin: germline. Affected: yes.
Comment: In-frame deletion of 1 amino acid in a non-repeat region; Not observed at significant frequency in large population cohorts (gnomAD); In silico analysis supports a deleterious effect on protein structure/function; Has not been previously published as pathogenic or benign to our knowledge

NM_001128228.3(TPRN):c.1377_1379del (p.Asp459del)

Gene: TPRN (taperin; minus strand). Cytogenetic location: 9q34.3.
Variant type: Deletion.
Coding change: c.1377_1379del on transcript NM_001128228.3 (MANE Select); coding-DNA positions 1377 to 1379, 3 bases deleted (TGA; older notation c.1377_1379delTGA).
Protein change: p.Asp459del; deletes aspartic acid 459.
Molecular consequence: inframe deletion.
Genome position (GRCh38, 1-based): chr9:137,199,333-137,199,335, TCA deleted on the plus strand (TGA on the coding strand, the reverse complement: TPRN is on the minus strand); deleting any 3 consecutive bases within chr9:137,199,333-137,199,337 gives the same sequence; the c. name uses the placement nearest the transcript's 3' end. VCF-style (leftmost placement, unchanged base first): chr9-137199332-CTCA-C. GRCh37 (hg19) VCF-style: chr9-140093784-CTCA-C.
Other names: short protein forms D459del.
Identifiers: ClinVar variation 2446689 (VCV002446689.1), dbSNP rs2538729534, ClinGen allele CA2580081081.